The following is an entry in ClinVar:

NM_001035.3(RYR2):c.8428A>G (p.Thr2810Ala)

Gene: RYR2 (ryanodine receptor 2; plus strand). Cytogenetic location: 1q43.
Variant type: single nucleotide variant.
Coding change: c.8428A>G on transcript NM_001035.3 (MANE Select); coding-DNA position 8428, A replaced by G.
Protein change: p.Thr2810Ala; replaces threonine 2810 with alanine.
Molecular consequence: missense variant.
Genome position (GRCh38, 1-based): chr1:237,660,939, A>G. VCF-style: chr1-237660939-A-G. GRCh37 (hg19) VCF-style: chr1-237824239-A-G.
Other names: c.8428A>G (NM_001035.2); short protein forms T2810A.
Identifiers: ClinVar variation 3715435 (VCV003715435.3).

ClinVar aggregate classification (germline): Uncertain significance. Review status: criteria provided, multiple submitters, no conflicts (2 of 4 stars). 2 submissions from 2 submitters: Uncertain significance (2). Last evaluated 2025-01-13.

Conditions:
Catecholaminergic polymorphic ventricular tachycardia 1. Also called: VENTRICULAR TACHYCARDIA, STRESS-INDUCED POLYMORPHIC 1; VENTRICULAR TACHYCARDIA, CATECHOLAMINERGIC POLYMORPHIC, 1, WITH OR WITHOUT ATRIAL DYSFUNCTION AND/OR DILATED CARDIOMYOPATHY; RYR2-Related Catecholaminergic Polymorphic Ventricular Tachycardia. Identifiers: Orphanet 3286, MedGen C1631597, MONDO:0011484, OMIM 604772.
Cardiovascular phenotype. Identifiers: MedGen CN230736.

Submissions (2):

Ambry Genetics
Classification: Uncertain significance for Cardiovascular phenotype. Last evaluated: 2025-01-13. Review status: criteria provided, single submitter. Criteria: Ambry Variant Classification Scheme 2023. Collection method: clinical testing. Allele origin: germline.
Comment: The p.T2810A variant (also known as c.8428A>G), located in coding exon 56 of the RYR2 gene, results from an A to G substitution at nucleotide position 8428. The threonine at codon 2810 is replaced by alanine, an amino acid with similar properties. This amino acid position is well conserved in available vertebrate species. In addition, this alteration is predicted to be tolerated by in silico analysis. Based on the available evidence, the clinical significance of this variant remains unclear.

Labcorp Genetics (formerly Invitae), Labcorp
Classification: Uncertain significance for Catecholaminergic polymorphic ventricular tachycardia 1. Last evaluated: 2024-08-27. Review status: criteria provided, single submitter. Criteria: Invitae Variant Classification Sherloc (09022015). Collection method: clinical testing. Allele origin: germline.
Comment: This sequence change replaces threonine, which is neutral and polar, with alanine, which is neutral and non-polar, at codon 2810 of the RYR2 protein (p.Thr2810Ala). This variant is not present in population databases (gnomAD no frequency). This variant has not been reported in the literature in individuals affected with RYR2-related conditions. Invitae Evidence Modeling of protein sequence and biophysical properties (such as structural, functional, and spatial information, amino acid conservation, physicochemical variation, residue mobility, and thermodynamic stability) indicates that this missense variant is not expected to disrupt RYR2 protein function with a negative predictive value of 95%. In summary, the available evidence is currently insufficient to determine the role of this variant in disease. Therefore, it has been classified as a Variant of Uncertain Significance.